The following is an entry in ClinVar:

NM_014384.3(ACAD8):c.473A>G (p.Tyr158Cys)

Gene: ACAD8 (acyl-CoA dehydrogenase family member 8; plus strand). Cytogenetic location: 11q25.
Variant type: single nucleotide variant.
Coding change: c.473A>G on transcript NM_014384.3 (MANE Select); coding-DNA position 473, A replaced by G.
Protein change: p.Tyr158Cys; replaces tyrosine 158 with cysteine.
Molecular consequence: missense variant.
Genome position (GRCh38, 1-based): chr11:134,258,607, A>G. VCF-style: chr11-134258607-A-G. GRCh37 (hg19) VCF-style: chr11-134128501-A-G.
Other names: short protein forms Y158C.
Identifiers: ClinVar variation 392312 (VCV000392312.8), dbSNP rs779385985, ClinGen allele CA6372952.
Genomic context (GRCh38, chr11:134,258,607, plus strand): 5'-ATGAGGAACAGAGGCACAAATTTTGCCCACCGCTCTGTACCATGGAGAAGTTTGCTTCCT[A>G]CTGCCTCACTGAACCAGGTGAATTTGCCACACTGCACTGAGATATAGCAGGGAGAGATGC-3'
Protein context (NP_055199.1, residues 148-168): PLCTMEKFAS[Tyr158Cys]CLTEPGSGSD

ClinVar aggregate classification (germline): Conflicting classifications of pathogenicity. Review status: criteria provided, conflicting classifications (1 of 4 stars). 3 submissions from 3 submitters: Pathogenic (1); Likely pathogenic (1); Uncertain significance (1). Last evaluated 2024-09-06.

Conditions:
Deficiency of isobutyryl-CoA dehydrogenase. Also called: ACYL-CoA DEHYDROGENASE FAMILY, MEMBER 8, DEFICIENCY OF; IBD DEFICIENCY; ACAD8 DEFICIENCY. Identifiers: Orphanet 79159, MedGen C1969809, MONDO:0012648, OMIM 611283.

Allele frequency attached by ClinVar (database versions not stated): gnomAD exomes below 0.00001; ExAC 0.00001; TOPMed 0.00002.

Submissions (3):

Labcorp Genetics (formerly Invitae), Labcorp
Classification: Pathogenic for Deficiency of isobutyryl-CoA dehydrogenase. Last evaluated: 2024-09-06. Review status: criteria provided, single submitter. Criteria: Invitae Variant Classification Sherloc (09022015). Collection method: clinical testing. Allele origin: germline.
Comment: This sequence change replaces tyrosine, which is neutral and polar, with cysteine, which is neutral and slightly polar, at codon 158 of the ACAD8 protein (p.Tyr158Cys). This variant is present in population databases (rs779385985, gnomAD 0.006%). This missense change has been observed in individual(s) with isobutyryl-CoA dehydrogenase deficiency (PMID: 34544473; internal data). ClinVar contains an entry for this variant (Variation ID: 392312). Invitae Evidence Modeling of protein sequence and biophysical properties (such as structural, functional, and spatial information, amino acid conservation, physicochemical variation, residue mobility, and thermodynamic stability) indicates that this missense variant is expected to disrupt ACAD8 protein function with a positive predictive value of 80%. This variant disrupts the p.Tyr158 amino acid residue in ACAD8. Other variant(s) that disrupt this residue have been determined to be pathogenic (internal data). This suggests that this residue is clinically significant, and that variants that disrupt this residue are likely to be disease-causing. For these reasons, this variant has been classified as Pathogenic.

Women's Health and Genetics/Laboratory Corporation of America, LabCorp
Classification: Uncertain significance. Last evaluated: 2023-11-21. Review status: criteria provided, single submitter. Criteria: LabCorp Variant Classification Summary - May 2015. Collection method: clinical testing. Allele origin: germline.
Comment: Variant summary: ACAD8 c.473A>G (p.Tyr158Cys) results in a non-conservative amino acid change located in the Acyl-CoA oxidase/dehydrogenase, middle domain of the encoded protein sequence. Five of five in-silico tools predict a damaging effect of the variant on protein function. The variant allele was found at a frequency of 4e-06 in 250762 control chromosomes. The available data on variant occurrences in the general population are insufficient to allow any conclusion about variant significance. c.473A>G has been reported in the literature in a compound heterozygous individual affected with Deficiency Of Isobutyryl-CoA Dehydrogenase (Feng_2021). These data do not allow any conclusion about variant significance. To our knowledge, no experimental evidence demonstrating an impact on protein function has been reported. The following publication have been ascertained in the context of this evaluation (PMID: 34544473). Two submitters have cited clinical-significance assessments for this variant to ClinVar after 2014. All submitters classified the variant as likely pathogenic. Based on the evidence outlined above, the variant was classified as uncertain significance.

GeneDx
Classification: Likely pathogenic. Last evaluated: 2016-12-20. Review status: criteria provided, single submitter. Criteria: GeneDx Variant Classification (06012015). Collection method: clinical testing. Allele origin: germline. Affected: yes.
Comment: The Y158C missense variant in the ACAD8 gene has not been published as a pathogenic variant, nor has it been reported as a benign variant to our knowledge. The Y158C variant was not observed in approximately 6500 individuals of European and African American ancestry in the NHLBI Exome Sequencing Project, indicating it is not a common benign variant in these populations. The Y158C variant is a non-conservative amino acid substitution, which is likely to impact secondary protein structure as these residues differ in polarity, charge, size and/or other properties. This substitution occurs at a position that is conserved across species. In silico analysis predicts this variant is probably damaging to the protein structure/function. In summary, we interpet this variant as likely pathogenic; however, the possibility that it is benign cannot be excluded.

Literature cited by the submitters: PubMed 34544473 (cited by Labcorp Genetics (formerly Invitae), Labcorp and Women's Health and Genetics/Laboratory Corporation of America, LabCorp).